The following is an entry in ClinVar:

ClinVar aggregate classification (germline): Uncertain significance. Review status: criteria provided, multiple submitters, no conflicts (2 of 4 stars). 3 submissions from 3 submitters: Uncertain significance (3). Last evaluated 2025-12-15.

Conditions:
DYM-related disorder. Also called: DYM-related condition.
Inborn genetic diseases. Identifiers: MedGen C0950123, MeSH D030342.

Allele frequency attached by ClinVar (database versions not stated): TOPMed 0.00003; ExAC 0.00004; gnomAD 0.00005; ESP Exome Variant Server 0.00008.
gnomAD v4.1: 81 of 1,613,384 alleles (0.005%); highest among the groups gnomAD compares: South Asian, 0.0077%; no homozygotes.

Submissions (3):

Ambry Genetics
Classification: Uncertain significance for Inborn genetic diseases. Last evaluated: 2025-12-15. Review status: criteria provided, single submitter. Criteria: Ambry Variant Classification Scheme 2023. Collection method: clinical testing. Allele origin: germline.

PreventionGenetics, part of Exact Sciences
Classification: Uncertain significance for DYM-related condition. Last evaluated: 2023-09-06. Review status: criteria provided, single submitter. Criteria: ACMG Guidelines, 2015. Collection method: clinical testing. Allele origin: germline.
Comment: The DYM c.1106G>A variant is predicted to result in the amino acid substitution p.Arg369His. To our knowledge, this variant has not been reported in the literature. This variant is reported in 0.020% of alleles in individuals of European (Finnish) descent in gnomAD. At this time, the clinical significance of this variant is uncertain due to the absence of conclusive functional and genetic evidence.

Labcorp Genetics (formerly Invitae), Labcorp
Classification: Uncertain significance. Last evaluated: 2022-12-02. Review status: criteria provided, single submitter. Criteria: Invitae Variant Classification Sherloc (09022015). Collection method: clinical testing. Allele origin: germline.
Comment: In summary, the available evidence is currently insufficient to determine the role of this variant in disease. Therefore, it has been classified as a Variant of Uncertain Significance. Advanced modeling of protein sequence and biophysical properties (such as structural, functional, and spatial information, amino acid conservation, physicochemical variation, residue mobility, and thermodynamic stability) performed at Invitae indicates that this missense variant is not expected to disrupt DYM protein function. This variant has not been reported in the literature in individuals affected with DYM-related conditions. This variant is present in population databases (rs201686059, gnomAD 0.02%). This sequence change replaces arginine, which is basic and polar, with histidine, which is basic and polar, at codon 369 of the DYM protein (p.Arg369His).

NM_001353214.3(DYM):c.1106G>A (p.Arg369His)

Gene: DYM (dymeclin; minus strand). Cytogenetic location: 18q21.1.
Variant type: single nucleotide variant.
Coding change: c.1106G>A on transcript NM_001353214.3 (MANE Select); coding-DNA position 1106, G replaced by A.
Protein change: p.Arg369His; replaces arginine 369 with histidine.
Molecular consequence: missense variant.
Genome position (GRCh38, 1-based): chr18:49,282,016, C>T on the plus strand (G>A on the coding strand, the complement: DYM is on the minus strand). VCF-style: chr18-49282016-C-T. GRCh37 (hg19) VCF-style: chr18-46808386-C-T.
Other names: c.1106G>A (NM_017653.3); c.1106G>A, p.Arg369His (NM_001374433.1, NM_001374434.1, NM_001353215.3 and 5 more transcripts); c.1103G>A, p.Arg368His (NM_001374435.1, NM_001374438.1, NM_001353210.3 and 3 more transcripts); c.980G>A, p.Arg327His (NM_001374436.1, NM_001374432.1); c.923G>A, p.Arg308His (NM_001374437.1); c.1100G>A, p.Arg367His (NM_001374439.1, NM_001374429.1); c.878G>A, p.Arg293His (NM_001374440.1); c.536G>A, p.Arg179His (NM_001374441.1, NM_001374442.1, NM_001374444.1); and 1 more; short protein forms R367H, R178H, R293H, R369H, R308H, R327H, R179H, R368H.
Identifiers: ClinVar variation 1953555 (VCV001953555.5), dbSNP rs201686059, ClinGen allele CA8958169.